The following is an entry in ClinVar:

NM_173354.5(SIK1):c.2321G>C (p.Cys774Ser)

Gene: SIK1 (salt inducible kinase 1; minus strand). Cytogenetic location: 21q22.3.
Variant type: single nucleotide variant.
Coding change: c.2321G>C on transcript NM_173354.5 (MANE Select); coding-DNA position 2321, G replaced by C.
Protein change: p.Cys774Ser; replaces cysteine 774 with serine.
Molecular consequence: missense variant.
Genome position (GRCh38, 1-based): chr21:43,416,773, C>G on the plus strand (G>C on the coding strand, the complement: SIK1 is on the minus strand). VCF-style: chr21-43416773-C-G. GRCh37 (hg19) VCF-style: chr21-44836653-C-G.
Other names: short protein forms C774S.
Identifiers: ClinVar variation 1391624 (VCV001391624.6), dbSNP rs2146467405, ClinGen allele CA410606216.

ClinVar aggregate classification (germline): Uncertain significance (1 of 4 stars; one submission).

Conditions:
Developmental and epileptic encephalopathy, 30 (DEE30). Also called: Epileptic encephalopathy, early infantile, 30. Identifiers: MedGen C4225360, MONDO:0014595, OMIM 616341.

Submission:

Labcorp Genetics (formerly Invitae), Labcorp
Classification: Uncertain significance for Developmental and epileptic encephalopathy, 30. Last evaluated: 2022-02-09. Review status: criteria provided, single submitter. Criteria: Invitae Variant Classification Sherloc (09022015). Collection method: clinical testing. Allele origin: germline.
Comment: In summary, the available evidence is currently insufficient to determine the role of this variant in disease. Therefore, it has been classified as a Variant of Uncertain Significance. Advanced modeling of protein sequence and biophysical properties (such as structural, functional, and spatial information, amino acid conservation, physicochemical variation, residue mobility, and thermodynamic stability) performed at Invitae indicates that this missense variant is not expected to disrupt SIK1 protein function. This variant has not been reported in the literature in individuals affected with SIK1-related conditions. This variant is not present in population databases (gnomAD no frequency). This sequence change replaces cysteine, which is neutral and slightly polar, with serine, which is neutral and polar, at codon 774 of the SIK1 protein (p.Cys774Ser).